The following is an entry in ClinVar:

ClinVar aggregate classification (germline): Uncertain significance (1 of 4 stars; one submission).

Allele frequency attached by ClinVar (database versions not stated): TOPMed below 0.00001; gnomAD 0.00001; ExAC 0.00003.
gnomAD v4.1: 29 of 1,612,880 alleles (0.0018%); highest among the groups gnomAD compares: East Asian, 0.0067%; no homozygotes.

Submission:

Labcorp Genetics (formerly Invitae), Labcorp
Classification: Uncertain significance. Last evaluated: 2025-12-26. Review status: criteria provided, single submitter. Criteria: Invitae Variant Classification Sherloc (09022015). Collection method: clinical testing. Allele origin: germline.
Comment: This sequence change replaces glycine, which is neutral and non-polar, with arginine, which is basic and polar, at codon 164 of the MICAL1 protein (p.Gly164Arg). This variant is present in population databases (rs746088815, gnomAD 0.02%). This variant has not been reported in the literature in individuals affected with MICAL1-related conditions. ClinVar contains an entry for this variant (Variation ID: 1978933). An algorithm developed to predict the effect of missense changes on protein structure and function (PolyPhen-2) suggests that this variant is likely to be disruptive. In summary, the available evidence is currently insufficient to determine the role of this variant in disease. Therefore, it has been classified as a Variant of Uncertain Significance.

NM_022765.4(MICAL1):c.433G>A (p.Gly145Arg)

Gene: MICAL1 (microtubule associated monooxygenase, calponin and LIM domain containing 1; minus strand). Cytogenetic location: 6q21.
Variant type: single nucleotide variant.
Coding change: c.433G>A on transcript NM_022765.4 (MANE Select); coding-DNA position 433, G replaced by A.
Protein change: p.Gly145Arg; replaces glycine 145 with arginine.
Molecular consequence: missense variant.
Genome position (GRCh38, 1-based): chr6:109,453,671, C>T on the plus strand (G>A on the coding strand, the complement: MICAL1 is on the minus strand). VCF-style: chr6-109453671-C-T. GRCh37 (hg19) VCF-style: chr6-109774874-C-T.
Other names: c.433G>A, p.Gly145Arg (NM_001159291.2); c.490G>A, p.Gly164Arg (NM_001286613.2); short protein forms G145R, G164R.
Identifiers: ClinVar variation 1978933 (VCV001978933.4), dbSNP rs746088815, ClinGen allele CA3953787.
Genomic context (GRCh38, chr6:109,453,671, plus strand): 5'-CCCTCCAGGCCACCACGTGGTGCTCACTGATGTGGTCCAGGGTGCCGGTGCAGAAGCGCC[C>T]GTAGAACTTCTTAGCACCGAGTGCCCGCAGGTCGTGGATGGTGAAGGGCCAGAGGTGGAG-3'
Protein context (NP_073602.3, residues 135-155): LRALGAKKFY[Gly145Arg]RFCTGTLDHI